The following continues an entry in ClinVar:

NM_000091.5(COL4A3):c.4981C>T (p.Arg1661Cys)

ClinVar aggregate classification (germline): Conflicting classifications of pathogenicity. Pathogenic (17); Likely pathogenic (14); Uncertain significance (1).

Submissions 29 to 34 of 34:

Gharavi Laboratory, Columbia University
Classification: Pathogenic. Last evaluated: 2018-09-16. Review status: criteria provided, single submitter. Criteria: ACMG Guidelines, 2015. Collection method: research. Allele origin: germline. Affected: yes.

Center of Genomic medicine, Geneva, University Hospital of Geneva
Classification: Likely pathogenic for Autosomal recessive Alport syndrome. Last evaluated: 2016-07-11. Review status: criteria provided, single submitter. Criteria: ACMG Guidelines, 2015. Collection method: clinical testing. Allele origin: germline. Affected: yes.

Eurofins Ntd Llc (ga)
Classification: Likely pathogenic. Last evaluated: 2016-06-01. Review status: criteria provided, single submitter. Criteria: EGL Classification Definitions 2015. Collection method: clinical testing. Allele origin: germline. Observed: 1 variant allele, 1 heterozygote.

Athena Diagnostics
Classification: Pathogenic. Last evaluated: 2014-11-25. Review status: criteria provided, single submitter. Criteria: Athena Diagnostics Criteria. Collection method: clinical testing. Allele origin: germline.

Sydney Genome Diagnostics, Children's Hospital Westmead
Classification: Pathogenic for Alport syndrome. Last evaluated: 2024-07-24. Review status: no assertion criteria provided. Collection method: clinical testing. Allele origin: unknown. Inheritance: Autosomal recessive inheritance. Affected: yes. Observed: 1 variant allele, 1 compound heterozygote. Not counted in ClinVar's aggregate classification.
Comment: This variant has been reported in the gnomAD v4.1.1 browser (accessed: 24/07/2024) with aN allele frequency of 0.05% (953 out of 1613914 alleles, including 3 homozygous individuals). The allele frequency of this variant is too high for this variant to cause fully penetrant autosomal dominant COL4A3 related disorders. However, it has been widely reported in multiple unrelated individuals with autosomal recessive COL4A3 related disorders. In such cases, the c.4981C>T p.(Arg1661Cys) was found in compound heterozygosity with another COL4A3 disease causing variant (Braunisch et al 2018 PMID: 29946535; Weber et al 2016 PMID: 26809805; Storey et al 2013 PMID: 24052634). This variant alters a highly conserved arginine in the NCI domain of COL4A3 (LeBleu et al 2010 PMID: 20847057). In silico analysis of pathogenicity (through Alamut Visual v2.13) using PolyPhen2, SIFT and MutationTaster all suggest that this variant is likely to be pathogenic. This variant is considered to be pathogenic according to the ACMG guidelines (Evidence used: PM3_Very strong, PM1, PM2_Supporting, PP3_Moderate). .

Bioscientia Institut fuer Medizinische Diagnostik GmbH, Sonic Healthcare
Classification: Likely pathogenic for Autosomal dominant Alport syndrome. Last evaluated: 2019-07-25. Review status: no assertion criteria provided. Collection method: clinical testing. Allele origin: germline. Affected: yes. Not counted in ClinVar's aggregate classification.

Literature cited by the submitters: PubMed 11134255 (cited by 7 submitters); PubMed 24052634 (cited by 12 submitters); PubMed 26809805 (cited by 5 submitters); PubMed 39071776 (cited by Centre de Génétique Humaine, Institut de Pathologie Et de Génétique and Women's Health and Genetics/Laboratory Corporation of America, LabCorp); PubMed 29946535 (cited by 6 submitters); PubMed 37915894 (cited by Centre de Génétique Humaine, Institut de Pathologie Et de Génétique); PubMed 36013122 (cited by 3 submitters); PubMed 25229338 (cited by 6 submitters); PubMed 12028435 (cited by Victorian Clinical Genetics Services, Murdoch Childrens Research Institute); PubMed 37362409 (cited by Victorian Clinical Genetics Services, Murdoch Childrens Research Institute and SIB Swiss Institute of Bioinformatics); PubMed 24046192 (cited by Victorian Clinical Genetics Services, Murdoch Childrens Research Institute); PubMed 38214412 (cited by Victorian Clinical Genetics Services, Murdoch Childrens Research Institute and SIB Swiss Institute of Bioinformatics); PubMed 20847057 (cited by Variantyx, Inc.); PubMed 28780565 (cited by Variantyx, Inc.); PubMed 32939031 (cited by Variantyx, Inc. and Mayo Clinic Laboratories, Mayo Clinic); PubMed 30586318 (cited by Variantyx, Inc. and Mayo Clinic Laboratories, Mayo Clinic); PubMed 30665703 (cited by Variantyx, Inc.); PubMed 33774617 (cited by Variantyx, Inc.); PubMed 30773290 (cited by 3 submitters); PubMed 27485810 (cited by Women's Health and Genetics/Laboratory Corporation of America, LabCorp); PubMed 29644057 (cited by Mayo Clinic Laboratories, Mayo Clinic); PubMed 30406062 (cited by Mayo Clinic Laboratories, Mayo Clinic and AiLife Diagnostics); PubMed 30487145 (cited by Mayo Clinic Laboratories, Mayo Clinic and AiLife Diagnostics); PubMed 32359821 (cited by Mayo Clinic Laboratories, Mayo Clinic); PubMed 33532864 (cited by Molecular Biology Laboratory, Fundació Puigvert); 29946535 (cited by Sydney Genome Diagnostics, Children's Hospital Westmead); 26809805 (cited by Sydney Genome Diagnostics, Children's Hospital Westmead); 24052634 (cited by Sydney Genome Diagnostics, Children's Hospital Westmead).